The following is an entry in ClinVar:

NM_000350.3(ABCA4):c.1371C>A (p.Asn457Lys)

Gene: ABCA4 (ATP binding cassette subfamily A member 4; minus strand). Cytogenetic location: 1p22.1.
Variant type: single nucleotide variant.
Coding change: c.1371C>A on transcript NM_000350.3 (MANE Select); coding-DNA position 1371, C replaced by A.
Protein change: p.Asn457Lys; replaces asparagine 457 with lysine.
Molecular consequence: missense variant.
Genome position (GRCh38, 1-based): chr1:94,077,873, G>T on the plus strand (C>A on the coding strand, the complement: ABCA4 is on the minus strand). VCF-style: chr1-94077873-G-T. GRCh37 (hg19) VCF-style: chr1-94543429-G-T.
Other names: c.1371C>A, p.Asn457Lys (NM_001425324.1); short protein forms N457K.
Identifiers: ClinVar variation 1496149 (VCV001496149.6), dbSNP rs766282109, ClinGen allele CA958533.

ClinVar aggregate classification (germline): Uncertain significance (1 of 4 stars; one submission).

Allele frequency attached by ClinVar (database versions not stated): gnomAD 0.00001; gnomAD exomes 0.00005; ExAC 0.00006.
gnomAD v4.1: 56 of 1,614,136 alleles (0.0035%); highest among the groups gnomAD compares: South Asian, 0.06%; 2 homozygotes.

Submission:

Labcorp Genetics (formerly Invitae), Labcorp
Classification: Uncertain significance. Last evaluated: 2021-07-30. Review status: criteria provided, single submitter. Criteria: Invitae Variant Classification Sherloc (09022015). Collection method: clinical testing. Allele origin: germline.
Comment: In summary, the available evidence is currently insufficient to determine the role of this variant in disease. Therefore, it has been classified as a Variant of Uncertain Significance. Advanced modeling of protein sequence and biophysical properties (such as structural, functional, and spatial information, amino acid conservation, physicochemical variation, residue mobility, and thermodynamic stability) performed at Invitae indicates that this missense variant is not expected to disrupt ABCA4 protein function. This variant has not been reported in the literature in individuals affected with ABCA4-related conditions. This variant is present in population databases (rs766282109, ExAC 0.04%). This sequence change replaces asparagine with lysine at codon 457 of the ABCA4 protein (p.Asn457Lys). The asparagine residue is moderately conserved and there is a moderate physicochemical difference between asparagine and lysine.